The following is an entry in ClinVar:

ClinVar aggregate classification (germline): Uncertain significance (1 of 4 stars; one submission).

Conditions:
Idiopathic generalized epilepsy. Also called: Generalised epilepsy; EIG. Identifiers: MedGen C0270850, MONDO:0005579, OMIM 600669.

Allele frequency attached by ClinVar (database versions not stated): gnomAD 0.00001.
gnomAD v4.1: 1 of 1,600,504 alleles (0.000062%); highest among the groups gnomAD compares: African/African-American, 0.0013%; no homozygotes.

Submission:

Labcorp Genetics (formerly Invitae), Labcorp
Classification: Uncertain significance for Idiopathic generalized epilepsy. Last evaluated: 2018-02-12. Review status: criteria provided, single submitter. Criteria: Invitae Variant Classification Sherloc (09022015). Collection method: clinical testing. Allele origin: germline.
Comment: This variant is not present in population databases (ExAC no frequency). This sequence change replaces serine with asparagine at codon 354 of the CACNB4 protein (p.Ser354Asn). The serine residue is moderately conserved and there is a small physicochemical difference between serine and asparagine. This variant has not been reported in the literature in individuals with CACNB4-related disease. Algorithms developed to predict the effect of missense changes on protein structure and function do not agree on the potential impact of this missense change (SIFT: "Tolerated"; PolyPhen-2: "Probably Damaging"; Align-GVGD: "Class C0"). In summary, the available evidence is currently insufficient to determine the role of this variant in disease. Therefore, it has been classified as a Variant of Uncertain Significance.

NM_000726.5(CACNB4):c.1061G>A (p.Ser354Asn)

Gene: CACNB4 (calcium voltage-gated channel auxiliary subunit beta 4; minus strand). Cytogenetic location: 2q23.3.
Variant type: single nucleotide variant.
Coding change: c.1061G>A on transcript NM_000726.5 (MANE Select); coding-DNA position 1061, G replaced by A.
Protein change: p.Ser354Asn; replaces serine 354 with asparagine.
Molecular consequence: missense variant.
Genome position (GRCh38, 1-based): chr2:151,853,503, C>T on the plus strand (G>A on the coding strand, the complement: CACNB4 is on the minus strand). VCF-style: chr2-151853503-C-T. GRCh37 (hg19) VCF-style: chr2-152710017-C-T.
Other names: c.1007G>A, p.Ser336Asn (NM_001005746.4); c.959G>A, p.Ser320Asn (NM_001005747.4); c.1061G>A, p.Ser354Asn (NM_001145798.3); c.920G>A, p.Ser307Asn (NM_001320722.3, NM_001330118.2); c.818G>A, p.Ser273Asn (NM_001330113.2); c.407G>A, p.Ser136Asn (NM_001330114.2); c.770G>A, p.Ser257Asn (NM_001330115.2); c.731G>A, p.Ser244Asn (NM_001330116.2); and 1 more; short protein forms S354N, S168N, S257N, S307N, S244N, S136N, S320N, S273N.
Identifiers: ClinVar variation 576279 (VCV000576279.8), dbSNP rs1559868500, ClinGen allele CA348789655.
Genomic context (GRCh38, chr2:151,853,503, plus strand): 5'-CTTACTGGGGGGCATTGTGCAAGTTTATCAGCTGCCACCAGTTGAACATTCAAGTGTTTA[C>T]TTTGTGACTTTCCTCTAGATTTAATCAACCGCTGTAAAACCTGATAGAAGAAGACATGAA-3'
Protein context (NP_000717.2, residues 344-364): RLIKSRGKSQ[Ser354Asn]KHLNVQLVAA